The following is an entry in ClinVar:

NM_006514.4(SCN10A):c.4655C>T (p.Ala1552Val)

Gene: SCN10A (sodium voltage-gated channel alpha subunit 10; minus strand). Cytogenetic location: 3p22.2.
Variant type: single nucleotide variant.
Coding change: c.4655C>T on transcript NM_006514.4 (MANE Select); coding-DNA position 4655, C replaced by T.
Protein change: p.Ala1552Val; replaces alanine 1552 with valine.
Molecular consequence: missense variant.
Genome position (GRCh38, 1-based): chr3:38,701,841, G>A on the plus strand (C>T on the coding strand, the complement: SCN10A is on the minus strand). VCF-style: chr3-38701841-G-A. GRCh37 (hg19) VCF-style: chr3-38743332-G-A.
Other names: c.4652C>T, p.Ala1551Val (NM_001293306.2); c.4361C>T, p.Ala1454Val (NM_001293307.2); short protein forms A1552V, A1551V, A1454V.
Identifiers: ClinVar variation 240677 (VCV000240677.55), dbSNP rs756133876, ClinGen allele CA2319859.
Genomic context (GRCh38, chr3:38,701,841, plus strand): 5'-CATCCCAAAGACCCCCAAACAGAGGTGGGGCTTCCCCACCACGTGGCTGCCCACTTACTC[G>A]CAATGGAGAGAACCACCACAATGAAGTCAAACACATTCCAGCCATTTGTGAAGTAGTACT-3'
Protein context (NP_006505.4, residues 1542-1562): FDFIVVVLSI[Ala1552Val]SLIFSAILKS

ClinVar aggregate classification (germline): Uncertain significance. Review status: criteria provided, multiple submitters, no conflicts (2 of 4 stars). 6 submissions from 6 submitters: Uncertain significance (6). Last evaluated 2025-06-18.

Conditions:
Cardiovascular phenotype. Identifiers: MedGen CN230736.
Episodic pain syndrome, familial, 2 (FEPS2). Identifiers: Orphanet 306577, MedGen C3809893, MONDO:0014246, OMIM 615551.
Brugada syndrome. Also called: Sudden unexpected nocturnal death syndrome; Sudden Unexplained Death Syndrome; Sudden Unexplained Nocturnal Death Syndrome (SUNDS); Sudden unexplained nocturnal death syndrome. Identifiers: Orphanet 130, MedGen C1142166, MONDO:0015263.

Allele frequency attached by ClinVar (database versions not stated): gnomAD exomes 0.00003 and 0.00004; ExAC 0.00004; gnomAD 0.00005; TOPMed 0.00009.
gnomAD v4.1: 71 of 1,599,510 alleles (0.0044%); highest among the groups gnomAD compares: Middle Eastern, 0.067%; no homozygotes.

Submissions (6):

Ambry Genetics
Classification: Uncertain significance for Cardiovascular phenotype. Last evaluated: 2025-06-18. Review status: criteria provided, single submitter. Criteria: Ambry Variant Classification Scheme 2023. Collection method: clinical testing. Allele origin: germline.
Comment: The c.4655C>T (p.A1552V) alteration is located in exon 26 (coding exon 26) of the SCN10A gene. This alteration results from a C to T substitution at nucleotide position 4655, causing the alanine (A) at amino acid position 1552 to be replaced by a valine (V). Based on data from the Genome Aggregation Database (gnomAD), the c.4655C>T alteration was observed in 0.003% (8/272,272) total alleles studied This amino acid position is poorly conserved in available vertebrate species. The alteration is predicted benign by in silico models: The p.A1552V alteration is predicted to be benign by Polyphen and tolerated by SIFT in silico analyses. Based on insufficient or conflicting evidence, the clinical significance of this alteration remains unclear.

Labcorp Genetics (formerly Invitae), Labcorp
Classification: Uncertain significance for Brugada syndrome. Last evaluated: 2025-01-07. Review status: criteria provided, single submitter. Criteria: Invitae Variant Classification Sherloc (09022015). Collection method: clinical testing. Allele origin: germline.
Comment: This sequence change replaces alanine, which is neutral and non-polar, with valine, which is neutral and non-polar, at codon 1552 of the SCN10A protein (p.Ala1552Val). This variant is present in population databases (rs756133876, gnomAD 0.004%). This variant has not been reported in the literature in individuals affected with SCN10A-related conditions. ClinVar contains an entry for this variant (Variation ID: 240677). An algorithm developed to predict the effect of missense changes on protein structure and function outputs the following: PolyPhen-2: "Benign". The valine amino acid residue is found in multiple mammalian species, which suggests that this missense change does not adversely affect protein function. Algorithms developed to predict the effect of sequence changes on RNA splicing suggest that this variant may disrupt the consensus splice site. In summary, the available evidence is currently insufficient to determine the role of this variant in disease. Therefore, it has been classified as a Variant of Uncertain Significance.

Dasa
Classification: Uncertain significance. Last evaluated: 2024-05-01. Review status: criteria provided, single submitter. Criteria: DASA Assertion Criteria. Collection method: clinical testing. Allele origin: germline.
Comment: NM_006514.4(SCN10A):c.4655C>T (p.Ala1552Val) is a missense variant that results in the substitution of alanine with valine. Multiple computational predictions support a deleterious effect on the gene or gene product. The variant is present at low frequency in population datasets. Based on the available data, this variant is classified as variant of uncertain significance.

GeneDx
Classification: Uncertain significance. Last evaluated: 2021-04-09. Review status: criteria provided, single submitter. Criteria: GeneDx Variant Classification Process June 2021. Collection method: clinical testing. Allele origin: germline. Affected: yes.
Comment: Has not been previously published as pathogenic or benign to our knowledge; In silico analysis, which includes splice predictors and evolutionary conservation, suggests this variant may impact gene splicing. In the absence of RNA/functional studies, the actual effect of this sequence change is unknown.; In silico analysis supports that this missense variant does not alter protein structure/function; Reported in ClinVar as a variant of uncertain significance (ClinVar Variant ID# 240677; Landrum et al., 2016)

Fulgent Genetics
Classification: Uncertain significance for Episodic pain syndrome, familial, 2. Last evaluated: 2018-10-31. Review status: criteria provided, single submitter. Criteria: ACMG Guidelines, 2015. Collection method: clinical testing. Allele origin: unknown.

CeGaT Center for Human Genetics Tuebingen
Classification: Uncertain significance. Last evaluated: 2018-03-01. Review status: criteria provided, single submitter. Criteria: CeGaT Center For Human Genetics Tuebingen Variant Classification Criteria Version 2. Collection method: clinical testing. Allele origin: germline. Affected: yes. Observed: 1 variant allele.